The following is an entry in ClinVar:

ClinVar aggregate classification (germline): Uncertain significance. Review status: criteria provided, multiple submitters, no conflicts (2 of 4 stars). 2 submissions from 2 submitters: Uncertain significance (2). Last evaluated 2026-02-13.

Conditions:
Hereditary cancer-predisposing syndrome. Also called: Tumor predisposition; Hereditary Cancer Syndrome; Hereditary neoplastic syndrome; Neoplastic Syndromes, Hereditary. Identifiers: Orphanet 140162, MedGen C0027672, MeSH D009386, MONDO:0015356.

Submissions (2):

Ambry Genetics
Classification: Uncertain significance for Hereditary cancer-predisposing syndrome. Last evaluated: 2026-02-13. Review status: criteria provided, single submitter. Criteria: Ambry Variant Classification Scheme 2023. Collection method: clinical testing. Allele origin: germline.
Comment: The p.T412K variant (also known as c.1235C>A), located in coding exon 4 of the PALB2 gene, results from a C to A substitution at nucleotide position 1235. The threonine at codon 412 is replaced by lysine, an amino acid with similar properties. This amino acid position is conserved. In addition, this alteration is predicted to be tolerated by in silico analysis. Based on the available evidence, the clinical significance of this variant remains unclear.

Color Diagnostics, LLC DBA Color Health
Classification: Uncertain significance for Hereditary cancer-predisposing syndrome. Last evaluated: 2024-03-06. Review status: criteria provided, single submitter. Criteria: ACMG Guidelines, 2015. Collection method: clinical testing. Allele origin: germline.
Comment: This missense variant replaces threonine with lysine at codon 412 of the PALB2 protein. Computational prediction suggests that this variant may not impact protein structure and function (internally defined REVEL score threshold <= 0.5, PMID: 27666373). To our knowledge, functional studies have not been reported for this variant. This variant has not been reported in individuals affected with hereditary cancer in the literature. This variant has not been identified in the general population by the Genome Aggregation Database (gnomAD). The available evidence is insufficient to determine the role of this variant in disease conclusively. Therefore, this variant is classified as a Variant of Uncertain Significance.

NM_024675.4(PALB2):c.1235C>A (p.Thr412Lys)

Gene: PALB2 (partner and localizer of BRCA2; minus strand). Cytogenetic location: 16p12.2.
Variant type: single nucleotide variant.
Coding change: c.1235C>A on transcript NM_024675.4 (MANE Select); coding-DNA position 1235, C replaced by A.
Protein change: p.Thr412Lys; replaces threonine 412 with lysine.
Molecular consequence: missense variant. On other transcripts: intron variant (3).
Genome position (GRCh38, 1-based): chr16:23,635,311, G>T on the plus strand (C>A on the coding strand, the complement: PALB2 is on the minus strand). VCF-style: chr16-23635311-G-T. GRCh37 (hg19) VCF-style: chr16-23646632-G-T.
Other names: c.1175C>A, p.Thr392Lys (NM_001407296.1); c.1235C>A, p.Thr412Lys (NM_001407297.1, NM_001407298.1, NM_001407299.1 and 3 more transcripts); c.350C>A, p.Thr117Lys (NM_001407304.1, NM_001407305.1, NM_001407306.1 and 5 more transcripts); c.48+5799C>A (NM_001407314.1); c.-104-4842C>A (NM_001407313.1, NM_001407312.1); short protein forms T117K, T392K, T412K.
Identifiers: ClinVar variation 2774015 (VCV002774015.3), dbSNP rs2142421975, ClinGen allele CA395132984.